The following is an entry in ClinVar:

NM_002206.3(ITGA7):c.2535+5G>C

Genes: ITGA7 (integrin subunit alpha 7; minus strand), LOC126861535 (CDK7 strongly-dependent group 2 enhancer GRCh37_chr12:56087579-56088778; plus strand). Cytogenetic location: 12q13.2.
Variant type: single nucleotide variant.
Coding change: c.2535+5G>C on transcript NM_002206.3 (MANE Select); 5 bases into the intron after coding-DNA position 2535, G replaced by C.
Molecular consequence: intron variant.
Genome position (GRCh38, 1-based): chr12:55,694,016, C>G on the plus strand (G>C on the coding strand, the complement: ITGA7 is on the minus strand). VCF-style: chr12-55694016-C-G. GRCh37 (hg19) VCF-style: chr12-56087800-C-G.
Other names: c.2256+5G>C (NM_001144997.2); c.2208+5G>C (NM_001367993.1); c.2196+5G>C (NM_001414035.1); c.2352+5G>C (NM_001414033.1); c.1191+5G>C (NM_001367994.1); c.2415+5G>C (NM_001414032.1); c.2448+5G>C (NM_001414031.1); c.2517+5G>C (NM_001374465.1); and 5 more.
Identifiers: ClinVar variation 498597 (VCV000498597.10), dbSNP rs754770500, ClinGen allele CA605187878.

ClinVar aggregate classification (germline): Uncertain significance. Review status: criteria provided, multiple submitters, no conflicts (2 of 4 stars). 2 submissions from 2 submitters: Uncertain significance (2). Last evaluated 2022-09-25.

Conditions:
Congenital muscular dystrophy due to integrin alpha-7 deficiency. Also called: Congenital muscular dystrophy with integrin alpha-7 deficiency; MYOPATHY, CONGENITAL, DUE TO INTEGRIN ALPHA-7 DEFICIENCY; Muscular dystrophy, congenital, due to ITGA7 deficiency. Identifiers: Orphanet 34520, MedGen C2750786, MONDO:0013177, OMIM 613204.

Allele frequency attached by ClinVar (database versions not stated): gnomAD 0.00001; TOPMed 0.00001.
gnomAD v4.1: 2 of 1,611,238 alleles (0.00012%); highest among the groups gnomAD compares: African/African-American, 0.0027%; no homozygotes.

Submissions (2):

Labcorp Genetics (formerly Invitae), Labcorp
Classification: Uncertain significance for Congenital muscular dystrophy due to integrin alpha-7 deficiency. Last evaluated: 2022-09-25. Review status: criteria provided, single submitter. Criteria: Invitae Variant Classification Sherloc (09022015). Collection method: clinical testing. Allele origin: germline.
Comment: In summary, the available evidence is currently insufficient to determine the role of this variant in disease. Therefore, it has been classified as a Variant of Uncertain Significance. Variants that disrupt the consensus splice site are a relatively common cause of aberrant splicing (PMID: 17576681, 9536098). Algorithms developed to predict the effect of sequence changes on RNA splicing suggest that this variant may disrupt the consensus splice site. ClinVar contains an entry for this variant (Variation ID: 498597). This variant has not been reported in the literature in individuals affected with ITGA7-related conditions. This variant is present in population databases (no rsID available, gnomAD 0.007%). This sequence change falls in intron 19 of the ITGA7 gene. It does not directly change the encoded amino acid sequence of the ITGA7 protein. It affects a nucleotide within the consensus splice site.

Eurofins Ntd Llc (ga)
Classification: Uncertain significance. Last evaluated: 2016-12-21. Review status: criteria provided, single submitter. Criteria: EGL Classification Definitions 2015. Collection method: clinical testing. Allele origin: germline. Observed: 1 variant allele, 1 heterozygote.

Literature cited by the submitters: PubMed 17576681 (cited by Labcorp Genetics (formerly Invitae), Labcorp); PubMed 9536098 (cited by Labcorp Genetics (formerly Invitae), Labcorp).